The following is an entry in ClinVar:

ClinVar aggregate classification (germline): Likely benign. Review status: criteria provided, multiple submitters, no conflicts (2 of 4 stars). 4 submissions from 4 submitters: Likely benign (4). Last evaluated 2026-01-06.

Conditions:
Cardiovascular phenotype. Identifiers: MedGen CN230736.
Cardiomyopathy (CMYO). Also called: Cardiomyopathies. Identifiers: Orphanet 167848, MedGen C0878544, MONDO:0004994, HP:0001638. Inheritance: Various modes of inheritance.
Lethal congenital glycogen storage disease of heart. Also called: PHOSPHORYLASE KINASE DEFICIENCY OF HEART; GLYCOGEN STORAGE DISEASE OF HEART. Identifiers: Orphanet 439854, MedGen C1849813, MONDO:0009867, OMIM 261740.
Hypertrophic cardiomyopathy. Also called: HYPERTROPHIC MYOCARDIOPATHY. Identifiers: Orphanet 217569, MedGen C0007194, MeSH D002312, MONDO:0005045, HP:0001639.

Allele frequency attached by ClinVar (database versions not stated): ExAC 0.00002; gnomAD exomes 0.00002; ESP Exome Variant Server 0.00015.
gnomAD v4.1: 36 of 1,614,080 alleles (0.0022%); highest among the groups gnomAD compares: African/African-American, 0.011%; no homozygotes.

Submissions (4):

Labcorp Genetics (formerly Invitae), Labcorp
Classification: Likely benign for Lethal congenital glycogen storage disease of heart. Last evaluated: 2026-01-06. Review status: criteria provided, single submitter. Criteria: Invitae Variant Classification Sherloc (09022015). Collection method: clinical testing. Allele origin: germline.

All of Us Research Program, National Institutes of Health
Classification: Likely benign for Hypertrophic cardiomyopathy. Last evaluated: 2023-12-13. Review status: criteria provided, single submitter. Criteria: ACMG Guidelines, 2015. Collection method: clinical testing. Allele origin: germline. Inheritance: Autosomal dominant inheritance. Observed: 7 variant alleles, 7 heterozygotes.
Comment: This study involves interpretation of variants in research participants for the purpose of population health screening. Participant phenotype was not available at the time of variant classification. Additional details can be found in publication PMID: 35346344, PMCID: PMC8962531

Ambry Genetics
Classification: Likely benign for Cardiovascular phenotype. Last evaluated: 2023-11-18. Review status: criteria provided, single submitter. Criteria: Ambry Variant Classification Scheme 2023. Collection method: clinical testing. Allele origin: germline.

Color Diagnostics, LLC DBA Color Health
Classification: Likely benign for Cardiomyopathy. Last evaluated: 2022-11-06. Review status: criteria provided, single submitter. Criteria: ACMG Guidelines, 2015. Collection method: clinical testing. Allele origin: germline.

NM_016203.4(PRKAG2):c.618G>A (p.Pro206=)

Gene: PRKAG2 (protein kinase AMP-activated non-catalytic subunit gamma 2; minus strand). Cytogenetic location: 7q36.1.
Variant type: single nucleotide variant.
Coding change: c.618G>A on transcript NM_016203.4 (MANE Select); coding-DNA position 618, G replaced by A.
Protein change: p.Pro206=; no amino-acid change (proline 206 retained).
Molecular consequence: synonymous variant.
Genome position (GRCh38, 1-based): chr7:151,675,486, C>T on the plus strand (G>A on the coding strand, the complement: PRKAG2 is on the minus strand). VCF-style: chr7-151675486-C-T. GRCh37 (hg19) VCF-style: chr7-151372572-C-T.
Other names: c.486G>A, p.Pro162= (NM_001040633.2); c.246G>A, p.Pro82= (NM_001304527.2, NM_001363698.2); c.618G>A (NM_016203.3).
Identifiers: ClinVar variation 1095975 (VCV001095975.12), dbSNP rs145827515, ClinGen allele CA057703.